The following is an entry in ClinVar:

ClinVar aggregate classification (germline): Conflicting classifications of pathogenicity. Review status: criteria provided, conflicting classifications (1 of 4 stars). 9 submissions from 9 submitters: Uncertain significance (8); Likely benign (1). Last evaluated 2026-01-19.

Conditions:
Cerebrooculofacioskeletal syndrome 2 (COFS2). Identifiers: MedGen C1853102, MONDO:0012553, OMIM 610756.
Trichothiodystrophy 1, photosensitive (TTD1). Also called: TAY SYNDROME; TRICHOTHIODYSTROPHY WITH CONGENITAL ICHTHYOSIS; PIBIDS SYNDROME. Identifiers: Orphanet 33364, MedGen C1866504, MONDO:0011125, OMIM 601675.
Xeroderma pigmentosum, group D (XPD). Also called: ERCC2-Related Xeroderma Pigmentosum; XERODERMA PIGMENTOSUM, COMPLEMENTATION GROUP D; XERODERMA PIGMENTOSUM IV; XP, GROUP D; XP, GROUP H. Identifiers: MedGen C0268138, MONDO:0010212, OMIM 278730.
Xeroderma pigmentosum (XP). Identifiers: Orphanet 910, MedGen C0043346, MONDO:0019600.
Inborn genetic diseases. Identifiers: MedGen C0950123, MeSH D030342.

Allele frequency attached by ClinVar (database versions not stated): TOPMed 0.00015; gnomAD exomes 0.00031 and 0.00025; gnomAD 0.00034 and 0.00033; 1000 Genomes Project 30x 0.00016; 1000 Genomes Project 0.00020; ESP Exome Variant Server 0.00031; ExAC 0.00025.
gnomAD v4.1: 408 of 1,613,926 alleles (0.025%); highest among the groups gnomAD compares: Non-Finnish European, 0.024%; no homozygotes.

Submissions (9):

Dasa
Classification: Uncertain significance. Last evaluated: 2026-01-19. Review status: criteria provided, single submitter. Criteria: DASA Assertion Criteria. Collection method: clinical testing. Allele origin: germline.
Comment: NM_000400.4(ERCC2):c.1267G>A (p.Asp423Asn) is a missense variant that results in the substitution of aspartic acid with asparagine. Functional evidence supports an impact on the gene or gene product (PMID: 27504877; PMID: 33199492; PMID: 26689913). Also, this variant is rare in population databases. The currently available literature and clinical evidence are not sufficient to establish a definitive association between this variant and the reported condition. Therefore, this variant is classified as a variant of uncertain significance.

Laboratory of Genetics, Children's Clinical University Hospital Latvia
Classification: Likely benign. Last evaluated: 2025-02-16. Review status: criteria provided, single submitter. Criteria: ACMG Guidelines, 2015. Collection method: clinical testing. Allele origin: germline. Affected: yes.

Blueprint Genetics
Classification: Uncertain significance. Last evaluated: 2024-11-21. Review status: criteria provided, single submitter. Criteria: ACMG Guidelines, 2015. Collection method: clinical testing. Allele origin: germline.

Women's Health and Genetics/Laboratory Corporation of America, LabCorp
Classification: Uncertain significance. Last evaluated: 2024-10-14. Review status: criteria provided, single submitter. Criteria: LabCorp Variant Classification Summary - May 2015. Collection method: clinical testing. Allele origin: germline.
Comment: Variant summary: ERCC2 c.1267G>A (p.Asp423Asn) results in a conservative amino acid change in the encoded protein sequence. Four of five in-silico tools predict a benign effect of the variant on protein function. The variant allele was found at a frequency of 0.00031 in 251166 control chromosomes. This frequency is not significantly higher than estimated for a pathogenic variant in ERCC2 causing Xeroderma Pigmentosum (0.00031 vs 0.00061), allowing no conclusion about variant significance. To our knowledge, no occurrence of c.1267G>A in individuals affected with Xeroderma Pigmentosum and no experimental evidence demonstrating its impact on protein function have been reported. ClinVar contains an entry for this variant (Variation ID: 1023715). Based on the evidence outlined above, the variant was classified as uncertain significance.

Labcorp Genetics (formerly Invitae), Labcorp
Classification: Uncertain significance. Last evaluated: 2022-10-24. Review status: criteria provided, single submitter. Criteria: Invitae Variant Classification Sherloc (09022015). Collection method: clinical testing. Allele origin: germline.
Comment: This sequence change replaces aspartic acid, which is acidic and polar, with asparagine, which is neutral and polar, at codon 423 of the ERCC2 protein (p.Asp423Asn). This variant is present in population databases (rs143710107, gnomAD 0.1%). This variant has not been reported in the literature in individuals affected with ERCC2-related conditions. ClinVar contains an entry for this variant (Variation ID: 1023715). Algorithms developed to predict the effect of missense changes on protein structure and function (SIFT, PolyPhen-2, Align-GVGD) all suggest that this variant is likely to be tolerated. Experimental studies have shown that this missense change affects ERCC2 function (PMID: 27504877). In summary, the available evidence is currently insufficient to determine the role of this variant in disease. Therefore, it has been classified as a Variant of Uncertain Significance.

Sema4
Classification: Uncertain significance for Xeroderma pigmentosum. Last evaluated: 2022-02-08. Review status: criteria provided, single submitter. Criteria: Sema4 Curation Guidelines. Collection method: curation. Allele origin: germline.
Comment: The ERCC2 c.1267G>A (p.D423N) has been reported in heterozygosity in numerous cancer cases (PMID: 27504877, 33199492, 26689913), but not in ERCC2-related disease to the best of our knowledge. This variant was observed in 37/24984 chromosomes in the Finnish population, with no homozygotes, according to the Genome Aggregation Database (PMID: 32461654). The variant has been reported in ClinVar (Variation ID: 1023715). In functional assays, the variant displayed diminished nucleotide excision repair efficiency and decreased transcriptional activation capability (PMID: 27504877), while in silico predictions of the variant's effect on protein function are inconclusive. Based on the current evidence available, this variant is interpreted as a variant of uncertain significance.

Institute for Clinical Genetics, University Hospital TU Dresden, University Hospital TU Dresden
Classification: Uncertain significance. Last evaluated: 2021-11-03. Review status: criteria provided, single submitter. Criteria: ACMG Guidelines, 2015. Collection method: clinical testing. Allele origin: germline.

Ambry Genetics
Classification: Uncertain significance for Inborn genetic diseases. Last evaluated: 2021-07-27. Review status: criteria provided, single submitter. Criteria: Ambry Variant Classification Scheme 2023. Collection method: clinical testing. Allele origin: germline.

Department of Pathology and Laboratory Medicine, Sinai Health System
Classification: Uncertain significance for Xeroderma pigmentosum, group D; Trichothiodystrophy 1, photosensitive; Cerebrooculofacioskeletal syndrome 2. Last evaluated: 2020-06-29. Review status: criteria provided, single submitter. Criteria: ACMG Guidelines, 2015. Collection method: research. Allele origin: germline.

Literature cited by the submitters: PubMed 27504877 (cited by 3 submitters); PubMed 33199492 (cited by Dasa and Sema4); PubMed 26689913 (cited by Dasa and Sema4).

NM_000400.4(ERCC2):c.1267G>A (p.Asp423Asn)

Gene: ERCC2 (ERCC excision repair 2, TFIIH core complex helicase subunit; minus strand). Cytogenetic location: 19q13.32.
Variant type: single nucleotide variant.
Coding change: c.1267G>A on transcript NM_000400.4 (MANE Select); coding-DNA position 1267, G replaced by A.
Protein change: p.Asp423Asn; replaces aspartic acid 423 with asparagine.
Molecular consequence: missense variant.
Genome position (GRCh38, 1-based): chr19:45,357,670, C>T on the plus strand (G>A on the coding strand, the complement: ERCC2 is on the minus strand). VCF-style: chr19-45357670-C-T. GRCh37 (hg19) VCF-style: chr19-45860928-C-T.
Other names: short protein forms D423N.
Identifiers: ClinVar variation 1023715 (VCV001023715.14), dbSNP rs143710107, ClinGen allele CA9513390.
Genomic context (GRCh38, chr19:45,357,670, plus strand): 5'-CTCACCGGGCAGGGTCCCACCTGAAGTGCAGGATGGGGTTGGCAATGGTCGGGGTTCTGT[C>T]GTCAAAGGGCTCGATGATGATGGTGAAGCCTGCAGAGGGCAGGCAAGGAGGGGTGAGATT-3'
Protein context (NP_000391.1, residues 413-433): GFTIIIEPFD[Asp423Asn]RTPTIANPIL